The following is an entry in ClinVar:

ClinVar aggregate classification (germline): Uncertain significance (1 of 4 stars; one submission).

Allele frequency attached by ClinVar (database versions not stated): TOPMed below 0.00001; gnomAD 0.00001; gnomAD exomes below 0.00001.
gnomAD v4.1: 4 of 1,592,856 alleles (0.00025%); highest among the groups gnomAD compares: African/African-American, 0.0027%; no homozygotes.

Submission:

Labcorp Genetics (formerly Invitae), Labcorp
Classification: Uncertain significance. Last evaluated: 2023-11-27. Review status: criteria provided, single submitter. Criteria: Invitae Variant Classification Sherloc (09022015). Collection method: clinical testing. Allele origin: germline.
Comment: This sequence change replaces valine, which is neutral and non-polar, with leucine, which is neutral and non-polar, at codon 135 of the TELO2 protein (p.Val135Leu). This variant is not present in population databases (gnomAD no frequency). This variant has not been reported in the literature in individuals affected with TELO2-related conditions. ClinVar contains an entry for this variant (Variation ID: 2016668). Advanced modeling of protein sequence and biophysical properties (such as structural, functional, and spatial information, amino acid conservation, physicochemical variation, residue mobility, and thermodynamic stability) performed at Invitae indicates that this missense variant is not expected to disrupt TELO2 protein function with a negative predictive value of 80%. In summary, the available evidence is currently insufficient to determine the role of this variant in disease. Therefore, it has been classified as a Variant of Uncertain Significance.

NM_016111.4(TELO2):c.403G>C (p.Val135Leu)

Gene: TELO2 (telomere maintenance 2; plus strand). Cytogenetic location: 16p13.3.
Variant type: single nucleotide variant.
Coding change: c.403G>C on transcript NM_016111.4 (MANE Select); coding-DNA position 403, G replaced by C.
Protein change: p.Val135Leu; replaces valine 135 with leucine.
Molecular consequence: missense variant.
Genome position (GRCh38, 1-based): chr16:1,495,413, G>C. VCF-style: chr16-1495413-G-C. GRCh37 (hg19) VCF-style: chr16-1545414-G-C.
Other names: c.403G>C, p.Val135Leu (NM_001351846.2); short protein forms V135L.
Identifiers: ClinVar variation 2016668 (VCV002016668.4), dbSNP rs1478549683, ClinGen allele CA394206838.
Genomic context (GRCh38, chr16:1,495,413, plus strand): 5'-TTCCGGCTGATGAAGATGGCGCGGCTGCTGGCCAGATTCCTGCGCGAGGGCCGGCTGGCA[G>C]TGCTGATGGAGGCGCAGTGTCGGCAGCAGACGCAGCCCGGCTTCATCCTGCTCCGGGAGA-3'
Protein context (NP_057195.2, residues 125-145): ARFLREGRLA[Val135Leu]LMEAQCRQQT